The following is an entry in ClinVar:

ClinVar aggregate classification (germline): Pathogenic. Review status: criteria provided, multiple submitters, no conflicts (2 of 4 stars). 2 submissions from 2 submitters: Pathogenic (2). Last evaluated 2018-10-06.

Conditions:
Cardiovascular phenotype. Identifiers: MedGen CN230736.
Alagille syndrome due to a JAG1 point mutation. Also called: JAG1-Related Alagille Syndrome; Alagille Syndrome 1; HEPATIC DUCTULAR HYPOPLASIA, SYNDROMATIC. Identifiers: Orphanet 261619, Orphanet 52, MedGen C1956125, MONDO:0016862, OMIM 118450.

Allele frequency attached by ClinVar (database versions not stated): gnomAD exomes below 0.00001.
gnomAD v4.1: 1 of 1,614,144 alleles (0.000062%); highest among the groups gnomAD compares: Admixed American, 0.0017%; no homozygotes.

Submissions (2):

Labcorp Genetics (formerly Invitae), Labcorp
Classification: Pathogenic for Alagille syndrome due to a JAG1 point mutation. Last evaluated: 2018-10-06. Review status: criteria provided, single submitter. Criteria: Invitae Variant Classification Sherloc (09022015). Collection method: clinical testing. Allele origin: germline.
Comment: Loss-of-function variants in JAG1 are known to be pathogenic (PMID: 11180599). For these reasons, this variant has been classified as Pathogenic. This variant has been observed in an individual affected with Alagille syndrome (PMID: 11180599). This sequence change creates a premature translational stop signal (p.Glu353*) in the JAG1 gene. It is expected to result in an absent or disrupted protein product. This variant is not present in population databases (ExAC no frequency).

Ambry Genetics
Classification: Pathogenic for Cardiovascular phenotype. Last evaluated: 2016-05-12. Review status: criteria provided, single submitter. Criteria: Ambry Variant Classification Scheme 2023. Collection method: clinical testing. Allele origin: germline.
Comment: The p.E353* pathogenic mutation (also known as c.1057G>T), located in coding exon 8 of the JAG1 gene, results from a G to T substitution at nucleotide position 1057. This changes the amino acid from a glutamic acid to a stop codon within coding exon 8. This mutation has been described in a patient with a clinical diagnosis of Alagille syndrome (Colliton RP, Hum. Mutat. 2001 Feb; 17(2):151-2). In addition to the clinical data presented in the literature, since premature stop codons are typically deleterious in nature, this alteration is interpreted as a disease-causing mutation (ACMG Recommendations for Standards for Interpretation and Reporting of Sequence Variations. Revision 2007. Genet Med. 2008;10:294).

Literature cited by the submitters: PubMed 11180599 (cited by Labcorp Genetics (formerly Invitae), Labcorp and Ambry Genetics).

NM_000214.3(JAG1):c.1057G>T (p.Glu353Ter)

Gene: JAG1 (jagged canonical Notch ligand 1; minus strand). Cytogenetic location: 20p12.2.
Variant type: single nucleotide variant.
Coding change: c.1057G>T on transcript NM_000214.3 (MANE Select); coding-DNA position 1057, G replaced by T.
Protein change: p.Glu353Ter; replaces glutamic acid 353 with a stop codon.
Molecular consequence: nonsense.
Genome position (GRCh38, 1-based): chr20:10,651,644, C>A on the plus strand (G>T on the coding strand, the complement: JAG1 is on the minus strand). VCF-style: chr20-10651644-C-A. GRCh37 (hg19) VCF-style: chr20-10632292-C-A.
Other names: c.1057G>T, p.Glu353Ter (LRG_1191t1); short protein forms E353*.
Identifiers: ClinVar variation 639743 (VCV000639743.10), dbSNP rs1600185499, ClinGen allele CA408238769.